The following is an entry in ClinVar:

NM_020778.5(ALPK3):c.3377A>G (p.Gln1126Arg)

Gene: ALPK3 (alpha kinase 3; plus strand). Cytogenetic location: 15q25.3.
Variant type: single nucleotide variant.
Coding change: c.3377A>G on transcript NM_020778.5 (MANE Select); coding-DNA position 3377, A replaced by G.
Protein change: p.Gln1126Arg; replaces glutamine 1126 with arginine.
Molecular consequence: missense variant.
Genome position (GRCh38, 1-based): chr15:84,858,115, A>G. VCF-style: chr15-84858115-A-G. GRCh37 (hg19) VCF-style: chr15-85401346-A-G.
Other names: short protein forms Q1126R.
Identifiers: ClinVar variation 2449109 (VCV002449109.2), dbSNP rs1291526881, ClinGen allele CA393360144.

ClinVar aggregate classification (germline): Uncertain significance (1 of 4 stars; one submission).

Conditions:
Cardiovascular phenotype. Identifiers: MedGen CN230736.

Allele frequency attached by ClinVar (database versions not stated): TOPMed below 0.00001.

Submission:

Ambry Genetics
Classification: Uncertain significance for Cardiovascular phenotype. Last evaluated: 2023-01-22. Review status: criteria provided, single submitter. Criteria: Ambry Variant Classification Scheme 2023. Collection method: clinical testing. Allele origin: germline.
Comment: The p.Q1328R variant (also known as c.3983A>G), located in coding exon 6 of the ALPK3 gene, results from an A to G substitution at nucleotide position 3983. The glutamine at codon 1328 is replaced by arginine, an amino acid with highly similar properties. This amino acid position is conserved. In addition, this alteration is predicted to be tolerated by in silico analysis. Since supporting evidence is limited at this time, the clinical significance of this alteration remains unclear.